The following is an entry in ClinVar:

ClinVar aggregate classification (germline): Uncertain significance. Review status: criteria provided, multiple submitters, no conflicts (2 of 4 stars). 2 submissions from 2 submitters: Uncertain significance (2). Last evaluated 2023-02-07.

Conditions:
Inborn genetic diseases. Identifiers: MedGen C0950123, MeSH D030342.
Hyperekplexia 3 (HKPX3). Also called: HYPEREKPLEXIA 3, AUTOSOMAL RECESSIVE; HYPEREKPLEXIA 3, AUTOSOMAL DOMINANT. Identifiers: Orphanet 3197, MedGen C3553288, MONDO:0013827, OMIM 614618.

Allele frequency attached by ClinVar (database versions not stated): TOPMed below 0.00001; gnomAD 0.00001; gnomAD exomes 0.00002; ExAC 0.00003.
gnomAD v4.1: 33 of 1,613,484 alleles (0.002%); highest among the groups gnomAD compares: South Asian, 0.034%; no homozygotes.

Submissions (2):

Ambry Genetics
Classification: Uncertain significance for Inborn genetic diseases. Last evaluated: 2023-02-07. Review status: criteria provided, single submitter. Criteria: Ambry Variant Classification Scheme 2023. Collection method: clinical testing. Allele origin: germline.

Labcorp Genetics (formerly Invitae), Labcorp
Classification: Uncertain significance for Hyperekplexia 3. Last evaluated: 2022-08-23. Review status: criteria provided, single submitter. Criteria: Invitae Variant Classification Sherloc (09022015). Collection method: clinical testing. Allele origin: germline.
Comment: This sequence change replaces histidine, which is basic and polar, with tyrosine, which is neutral and polar, at codon 601 of the SLC6A5 protein (p.His601Tyr). This variant is present in population databases (rs775899410, gnomAD 0.03%). This variant has not been reported in the literature in individuals affected with SLC6A5-related conditions. Advanced modeling of protein sequence and biophysical properties (such as structural, functional, and spatial information, amino acid conservation, physicochemical variation, residue mobility, and thermodynamic stability) performed at Invitae indicates that this missense variant is not expected to disrupt SLC6A5 protein function. In summary, the available evidence is currently insufficient to determine the role of this variant in disease. Therefore, it has been classified as a Variant of Uncertain Significance.

NM_004211.5(SLC6A5):c.1801C>T (p.His601Tyr)

Gene: SLC6A5 (solute carrier family 6 member 5; plus strand). Cytogenetic location: 11p15.1.
Variant type: single nucleotide variant.
Coding change: c.1801C>T on transcript NM_004211.5 (MANE Select); coding-DNA position 1801, C replaced by T.
Protein change: p.His601Tyr; replaces histidine 601 with tyrosine.
Molecular consequence: missense variant.
Genome position (GRCh38, 1-based): chr11:20,637,235, C>T. VCF-style: chr11-20637235-C-T. GRCh37 (hg19) VCF-style: chr11-20658781-C-T.
Other names: c.1801C>T (NM_004211.3); c.1099C>T, p.His367Tyr (NM_001318369.2); short protein forms H367Y, H601Y.
Identifiers: ClinVar variation 2188424 (VCV002188424.3), dbSNP rs775899410, ClinGen allele CA5921581.